The following is an entry in ClinVar:

ClinVar aggregate classification (germline): Likely benign (1 of 4 stars; one submission).

Allele frequency attached by ClinVar (database versions not stated): ExAC 0.00045; 1000 Genomes Project 0.00060; 1000 Genomes Project 30x 0.00078; gnomAD 0.00080; ESP Exome Variant Server 0.00092; TOPMed 0.00107.
gnomAD v4.1: 509 of 1,613,996 alleles (0.032%); highest among the groups gnomAD compares: Middle Eastern, 0.59%; 2 homozygotes.

Submission:

CeGaT Center for Human Genetics Tuebingen
Classification: Likely benign. Last evaluated: 2022-07-01. Review status: criteria provided, single submitter. Criteria: CeGaT Center For Human Genetics Tuebingen Variant Classification Criteria Version 2. Collection method: clinical testing. Allele origin: germline. Affected: yes. Observed: 1 variant allele.
Comment: ZNF318: BP4, BP7

NM_014345.3(ZNF318):c.5904C>G (p.Thr1968=)

Gene: ZNF318 (zinc finger protein 318; minus strand). Cytogenetic location: 6p21.1.
Variant type: single nucleotide variant.
Coding change: c.5904C>G on transcript NM_014345.3 (MANE Select); coding-DNA position 5904, C replaced by G.
Protein change: p.Thr1968=; no amino-acid change (threonine 1968 retained).
Molecular consequence: synonymous variant.
Genome position (GRCh38, 1-based): chr6:43,338,094, G>C on the plus strand (C>G on the coding strand, the complement: ZNF318 is on the minus strand). VCF-style: chr6-43338094-G-C. GRCh37 (hg19) VCF-style: chr6-43305832-G-C.
Identifiers: ClinVar variation 2656595 (VCV002656595.24), dbSNP rs142925461, ClinGen allele CA3821194.
Genomic context (GRCh38, chr6:43,338,094, plus strand): 5'-CTCTGGATGGACATCTTGTAGCTCCAGTGCTTCTGTTTTTGGTTTCTCTGGGCTCTCCCA[G>C]GTCTCTGGCCTCTTCTTGTTTTCATCCCAAACAGCCAACTCATAGATCTTTTTAACTTGA-3'
Protein context (NP_055160.2, residues 1958-1978): VWDENKKRPE[Thr1968=]WESPEKPKTE